The following is an entry in ClinVar:

ClinVar aggregate classification (germline): Benign/Likely benign. Review status: criteria provided, multiple submitters, no conflicts (2 of 4 stars). 3 submissions from 3 submitters: Benign (1); Likely benign (2). Last evaluated 2024-09-17.

Conditions:
Hereditary cancer-predisposing syndrome. Also called: Tumor predisposition; Neoplastic Syndromes, Hereditary; Hereditary Cancer Syndrome; Hereditary neoplastic syndrome. Identifiers: Orphanet 140162, MedGen C0027672, MeSH D009386, MONDO:0015356.
Hereditary diffuse gastric adenocarcinoma (HDGC). Also called: DIFFUSE GASTRIC AND LOBULAR BREAST CANCER SYNDROME. Identifiers: Orphanet 26106, MedGen C1708349, MONDO:0007648, OMIM 137215.

Submissions (3):

Myriad Genetics, Inc.
Classification: Benign for Hereditary diffuse gastric adenocarcinoma. Last evaluated: 2024-09-17. Review status: criteria provided, single submitter. Criteria: Myriad Autosomal Dominant, Autosomal Recessive and X-Linked Classification Criteria (2023). Collection method: clinical testing. Allele origin: unknown.
Comment: This variant is considered benign. This variant is a silent/synonymous amino acid change and it is not expected to impact splicing.

Labcorp Genetics (formerly Invitae), Labcorp
Classification: Likely benign for Hereditary diffuse gastric adenocarcinoma. Last evaluated: 2023-03-20. Review status: criteria provided, single submitter. Criteria: Invitae Variant Classification Sherloc (09022015). Collection method: clinical testing. Allele origin: germline.

Ambry Genetics
Classification: Likely benign for Hereditary cancer-predisposing syndrome. Last evaluated: 2022-05-14. Review status: criteria provided, single submitter. Criteria: Ambry Variant Classification Scheme 2023. Collection method: clinical testing. Allele origin: germline.

NM_004360.5(CDH1):c.1062G>A (p.Gly354=)

Gene: CDH1 (cadherin 1; plus strand). Cytogenetic location: 16q22.1.
Variant type: single nucleotide variant.
Coding change: c.1062G>A on transcript NM_004360.5 (MANE Select); coding-DNA position 1062, G replaced by A.
Protein change: p.Gly354=; no amino-acid change (glycine 354 retained).
Molecular consequence: synonymous variant. On other transcripts: 5 prime UTR variant (2).
Genome position (GRCh38, 1-based): chr16:68,812,188, G>A. VCF-style: chr16-68812188-G-A. GRCh37 (hg19) VCF-style: chr16-68846091-G-A.
Other names: c.1062G>A, p.Gly354= (NM_001317184.2); c.-554G>A (NM_001317185.2); c.-758G>A (NM_001317186.2).
Identifiers: ClinVar variation 1088387 (VCV001088387.12), dbSNP rs1006997341, ClinGen allele CA283300778.